The following is an entry in ClinVar:

NM_000455.5(STK11):c.291-9C>T

Gene: STK11 (serine/threonine kinase 11; plus strand). Cytogenetic location: 19p13.3.
Variant type: single nucleotide variant.
Coding change: c.291-9C>T on transcript NM_000455.5 (MANE Select); 9 bases into the intron before coding-DNA position 291, C replaced by T.
Molecular consequence: intron variant.
Genome position (GRCh38, 1-based): chr19:1,218,408, C>T. VCF-style: chr19-1218408-C-T. GRCh37 (hg19) VCF-style: chr19-1218407-C-T.
Identifiers: ClinVar variation 765005 (VCV000765005.11), dbSNP rs1284524218, ClinGen allele CA913188940.

ClinVar aggregate classification (germline): Likely benign. Review status: criteria provided, multiple submitters, no conflicts (2 of 4 stars). 3 submissions from 3 submitters: Likely benign (3). Last evaluated 2025-03-25.

Conditions:
Peutz-Jeghers syndrome (PJS). Also called: POLYPOSIS, HAMARTOMATOUS INTESTINAL; POLYPS-AND-SPOTS SYNDROME; Peutz-Jeghers polyposis; Periorificial lentiginosis syndrome. Identifiers: Orphanet 2869, MedGen C0031269, MeSH D010580, MONDO:0008280, OMIM 175200.
Hereditary cancer-predisposing syndrome. Also called: Tumor predisposition; Hereditary Cancer Syndrome; Neoplastic Syndromes, Hereditary; Hereditary neoplastic syndrome. Identifiers: Orphanet 140162, MedGen C0027672, MeSH D009386, MONDO:0015356.

Allele frequency attached by ClinVar (database versions not stated): gnomAD exomes below 0.00001.
gnomAD v4.1: 3 of 1,611,924 alleles (0.00019%); highest among the groups gnomAD compares: African/African-American, 0.0013%; no homozygotes.

Submissions (3):

Myriad Genetics, Inc.
Classification: Likely benign for Peutz-Jeghers syndrome. Last evaluated: 2025-03-25. Review status: criteria provided, single submitter. Criteria: Myriad Autosomal Dominant, Autosomal Recessive and X-Linked Classification Criteria (2023). Collection method: clinical testing. Allele origin: unknown.
Comment: This variant is considered likely benign. This variant is intronic and is not expected to impact mRNA splicing.

Labcorp Genetics (formerly Invitae), Labcorp
Classification: Likely benign for Peutz-Jeghers syndrome. Last evaluated: 2023-07-17. Review status: criteria provided, single submitter. Criteria: Invitae Variant Classification Sherloc (09022015). Collection method: clinical testing. Allele origin: germline.

Color Diagnostics, LLC DBA Color Health
Classification: Likely benign for Hereditary cancer-predisposing syndrome. Last evaluated: 2019-04-23. Review status: criteria provided, single submitter. Criteria: ACMG Guidelines, 2015. Collection method: clinical testing. Allele origin: germline.